The following is an entry in ClinVar:

ClinVar aggregate classification (germline): Uncertain significance. Review status: criteria provided, multiple submitters, no conflicts (2 of 4 stars). 2 submissions from 2 submitters: Uncertain significance (2). Last evaluated 2025-08-22.

Allele frequency attached by ClinVar (database versions not stated): gnomAD 0.00001; TOPMed 0.00001; gnomAD exomes 0.00002.

Submissions (2):

Ambry Genetics
Classification: Uncertain significance. Last evaluated: 2025-08-22. Review status: criteria provided, single submitter. Criteria: Ambry Variant Classification Scheme 2023. Collection method: clinical testing. Allele origin: germline.

Labcorp Genetics (formerly Invitae), Labcorp
Classification: Uncertain significance. Last evaluated: 2024-11-06. Review status: criteria provided, single submitter. Criteria: Invitae Variant Classification Sherloc (09022015). Collection method: clinical testing. Allele origin: germline.
Comment: This sequence change replaces glycine, which is neutral and non-polar, with serine, which is neutral and polar, at codon 676 of the HYOU1 protein (p.Gly676Ser). This variant is present in population databases (rs782782755, gnomAD 0.007%). This variant has not been reported in the literature in individuals affected with HYOU1-related conditions. ClinVar contains an entry for this variant (Variation ID: 1418018). An algorithm developed to predict the effect of missense changes on protein structure and function outputs the following: PolyPhen-2: "Benign". The serine amino acid residue is found in multiple mammalian species, which suggests that this missense change does not adversely affect protein function. In summary, the available evidence is currently insufficient to determine the role of this variant in disease. Therefore, it has been classified as a Variant of Uncertain Significance.

NM_006389.5(HYOU1):c.2026G>A (p.Gly676Ser)

Gene: HYOU1 (hypoxia up-regulated 1; minus strand). Cytogenetic location: 11q23.3.
Variant type: single nucleotide variant.
Coding change: c.2026G>A on transcript NM_006389.5 (MANE Select); coding-DNA position 2026, G replaced by A.
Protein change: p.Gly676Ser; replaces glycine 676 with serine.
Molecular consequence: missense variant.
Genome position (GRCh38, 1-based): chr11:119,048,853, C>T on the plus strand (G>A on the coding strand, the complement: HYOU1 is on the minus strand). VCF-style: chr11-119048853-C-T. GRCh37 (hg19) VCF-style: chr11-118919565-C-T.
Other names: c.2026G>A (NM_006389.3); c.2026G>A, p.Gly676Ser (NM_001130991.3); short protein forms G676S.
Identifiers: ClinVar variation 1418018 (VCV001418018.7), dbSNP rs782782755, ClinGen allele CA229619454.